The following is an entry in ClinVar:

NM_001267550.2(TTN):c.100766-2A>T

Genes: TTN (titin; minus strand), TTN-AS1 (TTN antisense RNA 1; plus strand). Cytogenetic location: 2q31.2.
Variant type: single nucleotide variant.
Coding change: c.100766-2A>T on transcript NM_001267550.2 (MANE Select); the canonical splice acceptor site of the intron before coding-DNA position 100766, A replaced by T.
Molecular consequence: splice acceptor variant.
Genome position (GRCh38, 1-based): chr2:178,535,851, T>A on the plus strand (A>T on the coding strand, the complement: TTN is on the minus strand). VCF-style: chr2-178535851-T-A. GRCh37 (hg19) VCF-style: chr2-179400578-T-A.
Other names: c.73571-2A>T (NM_003319.4); c.74147-2A>T (NM_133437.4); c.73946-2A>T (NM_133432.3); c.93062-2A>T (NM_133378.4); c.95843-2A>T (NM_001256850.1).
Identifiers: ClinVar variation 838394 (VCV000838394.12), dbSNP rs1364779690, ClinGen allele CA349424663.

ClinVar aggregate classification (germline): Likely pathogenic. Review status: criteria provided, multiple submitters, no conflicts (2 of 4 stars). 3 submissions from 3 submitters: Likely pathogenic (3). Last evaluated 2026-04-29.

Conditions:
Primary familial dilated cardiomyopathy (FDC). Also called: Hypokinetic dilated cardiomyopathy, familial; Familial dilated cardiomyopathy. Identifiers: Orphanet 217607, MedGen C0340427, MONDO:0016333.
Dilated cardiomyopathy 1G (CMD1G). Identifiers: Orphanet 154, MedGen C1858763, MONDO:0011400, OMIM 604145.
Autosomal recessive limb-girdle muscular dystrophy type 2J (LGMDR10). Also called: Limb-girdle muscular dystrophy, type 2J; MUSCULAR DYSTROPHY, LIMB-GIRDLE, AUTOSOMAL RECESSIVE 10. Identifiers: Orphanet 140922, MedGen C1837342, MONDO:0012127, OMIM 608807.

Allele frequency attached by ClinVar (database versions not stated): gnomAD exomes below 0.00001; TOPMed below 0.00001.
gnomAD v4.1: 2 of 1,526,546 alleles (0.00013%); highest among the groups gnomAD compares: Non-Finnish European, 0.00017%; no homozygotes.

Submissions (3):

Women's Health and Genetics/Laboratory Corporation of America, LabCorp
Classification: Likely pathogenic for Primary familial dilated cardiomyopathy. Last evaluated: 2026-04-29. Review status: criteria provided, single submitter. Criteria: LabCorp Variant Classification Summary - May 2015. Collection method: clinical testing. Allele origin: germline.
Comment: Variant summary: TTN c.93062-2A>T is located in a canonical splice-site and is predicted to affect mRNA splicing resulting in a significantly altered protein due to either exon skipping, shortening, or inclusion of intronic material. Variants that disrupt the consensus splice site are a relatively common cause of aberrant splicing and loss of TTN function. Loss of function variants in all TTN bands are strongly associated with a spectrum of autosomal recessive titinopathies when exon expression (proportion spliced in, PSI, 1=complete expression) in skeletal muscle is >0.1 (PMID: 36977548, 39198997, 29598826, 32778822, 29691892, 33449170, 36977548, internal data). In contrast, loss of function variants in all TTN bands are only strongly associated with autosomal dominant TTN-related cardiomyopathies if located in exons constitutively expressed (PSI >0.9) in cardiac muscle, excluding extreme C-terminal exons 359-363 (PMID: 25589632, 31216868, 32964742, 34662387, 27869827, Shetty et al., Nat Cardiovasc Res 2024,, internal data). This variant is located in intron 357 in NM_001267550. The adjacent exon 358 has a maximum skeletal muscle PSI of 0.942 and a maximum cardiac muscle PSI of 1 (PMID: 39198997). Several computational tools predict a significant impact on normal splicing: five predict the variant abolishes the canonical 3' acceptor site and creates/strengthens a cryptic exonic 3' acceptor site (which is located six nucleotides downstream from the canonical site). However, these predictions have yet to be confirmed by functional studies. The variant allele was found at a frequency of 1.3e-06 in 1519976 control chromosomes (gnomAD). To our knowledge, no occurrence of c.93062-2A>T in individuals affected with TTN-related conditions and no experimental evidence demonstrating its impact on protein function have been reported. ClinVar contains an entry for this variant (Variation ID: 838394). Based on the evidence outlined above, the variant was classified as likely pathogenic for both autosomal dominant and autosomal recessive TTN-related conditions.

GeneDx
Classification: Likely pathogenic. Last evaluated: 2024-03-20. Review status: criteria provided, single submitter. Criteria: GeneDx Variant Classification Process June 2021. Collection method: clinical testing. Allele origin: germline. Affected: yes.
Comment: Canonical splice site variant predicted to result in a null allele in a gene for which loss of function is a known mechanism of disease; Located in the M-line region of TTN in which the majority of loss of function variants have been associated with autosomal recessive titinopathies (PMID: 17444505); Not observed at significant frequency in large population cohorts (gnomAD); Has not been previously published as pathogenic or benign to our knowledge

Labcorp Genetics (formerly Invitae), Labcorp
Classification: Likely pathogenic for Dilated cardiomyopathy 1G; Autosomal recessive limb-girdle muscular dystrophy type 2J. Last evaluated: 2020-06-26. Review status: criteria provided, single submitter. Criteria: Invitae Variant Classification Sherloc (09022015). Collection method: clinical testing. Allele origin: germline.
Comment: This variant is not present in population databases (ExAC no frequency). This sequence change affects an acceptor splice site in intron 357 of the TTN gene. It is expected to disrupt RNA splicing and likely results in an absent or disrupted protein product. While this is not anticipated to result in nonsense mediated decay, it is expected to create a truncated TTN protein. This variant has not been reported in the literature in individuals with TTN-related conditions. Algorithms developed to predict the effect of sequence changes on RNA splicing suggest that this variant may disrupt the consensus splice site, but this prediction has not been confirmed by published transcriptional studies. This variant is located in the A band of TTN (PMID: 25589632). Truncating variants in this region are significantly overrepresented in patients affected with dilated cardiomyopathy (PMID: 25589632). Truncating variants in this region have also been reported in individuals affected with autosomal recessive centronuclear myopathy (PMID: 23975875). In summary, the currently available evidence indicates that the variant is pathogenic, but additional data are needed to prove that conclusively. Therefore, this variant has been classified as Likely Pathogenic.

Literature cited by the submitters: PubMed 25589632 (cited by Labcorp Genetics (formerly Invitae), Labcorp); PubMed 23975875 (cited by Labcorp Genetics (formerly Invitae), Labcorp).